The following is an entry in ClinVar:

NM_005026.5(PIK3CD):c.923C>T (p.Ala308Val)

Gene: PIK3CD (phosphatidylinositol-4,5-bisphosphate 3-kinase catalytic subunit delta; plus strand). Cytogenetic location: 1p36.22.
Variant type: single nucleotide variant.
Coding change: c.923C>T on transcript NM_005026.5 (MANE Select); coding-DNA position 923, C replaced by T.
Protein change: p.Ala308Val; replaces alanine 308 with valine.
Molecular consequence: missense variant.
Genome position (GRCh38, 1-based): chr1:9,717,101, C>T. VCF-style: chr1-9717101-C-T. GRCh37 (hg19) VCF-style: chr1-9777159-C-T.
Other names: c.923C>T, p.Ala308Val (NM_001350234.2); c.836C>T, p.Ala279Val (NM_001350235.1); short protein forms A279V, A308V.
Identifiers: ClinVar variation 1056408 (VCV001056408.12), dbSNP rs749687214, ClinGen allele CA577011.

ClinVar aggregate classification (germline): Conflicting classifications of pathogenicity. Review status: criteria provided, conflicting classifications (1 of 4 stars). 3 submissions from 3 submitters: Uncertain significance (1); Likely benign (1). 1 of the submissions does not count toward it. Last evaluated 2025-12-29.

Conditions:
Activated PI3K-delta syndrome. Identifiers: Orphanet 397596, MedGen C3714976, MONDO:0018338.
Immunodeficiency 14 (IMD14A). Also called: ACTIVATED PI3K-DELTA SYNDROME 1; IMMUNODEFICIENCY 14A WITH LYMPHOPROLIFERATION, AUTOSOMAL DOMINANT; Activated PI3K Delta Syndrome Type 1 (APDS1); p110-DELTA-ACTIVATING MUTATION CAUSING SENESCENT T CELLS, LYMPHADENOPATHY, AND IMMUNODEFICIENCY. Identifiers: Orphanet 397596, Orphanet 693661, MedGen C5907821, MONDO:0014222, OMIM 615513.

Allele frequency attached by ClinVar (database versions not stated): gnomAD 0.00001; ExAC 0.00003; gnomAD exomes 0.00003 and 0.00005; TOPMed 0.00005.
gnomAD v4.1: 45 of 1,613,812 alleles (0.0028%); highest among the groups gnomAD compares: Middle Eastern, 0.12%; no homozygotes.

Submissions (3):

Labcorp Genetics (formerly Invitae), Labcorp
Classification: Uncertain significance for Activated PI3K-delta syndrome. Last evaluated: 2025-12-29. Review status: criteria provided, single submitter. Criteria: Invitae Variant Classification Sherloc (09022015). Collection method: clinical testing. Allele origin: germline.
Comment: This sequence change replaces alanine, which is neutral and non-polar, with valine, which is neutral and non-polar, at codon 308 of the PIK3CD protein (p.Ala308Val). This variant is present in population databases (rs749687214, gnomAD 0.01%). This variant has not been reported in the literature in individuals affected with PIK3CD-related conditions. ClinVar contains an entry for this variant (Variation ID: 1056408). Invitae Evidence Modeling of protein sequence and biophysical properties (such as structural, functional, and spatial information, amino acid conservation, physicochemical variation, residue mobility, and thermodynamic stability) indicates that this missense variant is not expected to disrupt PIK3CD protein function with a negative predictive value of 80%. In summary, the available evidence is currently insufficient to determine the role of this variant in disease. Therefore, it has been classified as a Variant of Uncertain Significance.

Blueprint Genetics
Classification: Likely benign. Last evaluated: 2023-09-05. Review status: criteria provided, single submitter. Criteria: ACMG Guidelines, 2015. Collection method: clinical testing. Allele origin: germline.

Rarefied Biosciences Lab
Classification: Likely benign for Activated PI3K-delta syndrome. Review status: no assertion criteria provided. Collection method: research. Allele origin: germline, not applicable. Affected: yes. Functional consequence: gain_of_function_variant. Not counted in ClinVar's aggregate classification.
Comment: The PIK3CD c.923C>T (p.Ala308Val) variant results in a missense substitution of alanine to valine at codon 308. This residue lies outside of known functional domains essential for PIK3CD activity. The variant is rare, with a gnomAD allele frequency of 0.0000294, which is consistent with a benign classification in the context of a rare disorder. Immune profiling showed transitional B cells at 12.4% and T follicular helper (TFH) cells at 15.3%, both within control ranges and not indicative of specific immune dysregulation associated with Activated PI3K-δ Syndrome (APDS). Importantly, no elevation in mTOR pathway activity was observed, indicating intact PI3K signaling. Computational predictive tools strongly support a benign interpretation: REVEL score is 0.069 and AlphaMissense score is 0.06539 (both Benign Strong), while SIFT gives a Benign Moderate prediction (0.338). Given the absence of functional abnormalities, normal immune parameters, lack of mTOR activation, and consistently benign computational predictions, PIK3CD c.923C>T (p.Ala308Val) is classified as Likely Benign

Literature cited by the submitters: PubMed 31031754 (cited by Rarefied Biosciences Lab).